The following is an entry in ClinVar:

NM_016207.4(CPSF3):c.1653C>T (p.Phe551=)

Gene: CPSF3 (cleavage and polyadenylation specific factor 3; plus strand). Cytogenetic location: 2p25.1.
Variant type: single nucleotide variant.
Coding change: c.1653C>T on transcript NM_016207.4 (MANE Select); coding-DNA position 1653, C replaced by T.
Protein change: p.Phe551=; no amino-acid change (phenylalanine 551 retained).
Molecular consequence: synonymous variant.
Genome position (GRCh38, 1-based): chr2:9,456,982, C>T. VCF-style: chr2-9456982-C-T. GRCh37 (hg19) VCF-style: chr2-9597111-C-T.
Other names: c.1542C>T, p.Phe514= (NM_001321833.2, NM_001321834.2); c.1236C>T, p.Phe412= (NM_001321835.2); c.1665C>T, p.Phe555= (NM_001321836.2).
Identifiers: ClinVar variation 4874172 (VCV004874172.2).
Genomic context (GRCh38, chr2:9,456,982, plus strand): 5'-CTTTCTTTCAGGTGATGTGGAAGAATTAGAAATTCAAGAAAAACCTGCTCTGAAAGTGTT[C>T]AAAAATATTACTGTAATACAAGAACCAGGCATGGTGGTATTAGAAGTAAGAAAAGATCAT-3'
Protein context (NP_057291.1, residues 541-561): EIQEKPALKV[Phe551=]KNITVIQEPG

ClinVar aggregate classification (germline): Likely benign (1 of 4 stars; one submission).

Submission:

CeGaT Center for Human Genetics Tuebingen
Classification: Likely benign. Last evaluated: 2026-06-01. Review status: criteria provided, single submitter. Criteria: CeGaT Center For Human Genetics Tuebingen Variant Classification Criteria Version 2. Collection method: clinical testing. Allele origin: germline. Affected: yes. Observed: 1 variant allele.
Comment: CPSF3: PM2:Supporting, BP4, BP7